The following is an entry in ClinVar:

NM_003664.5(AP3B1):c.2173G>A (p.Asp725Asn)

Gene: AP3B1 (adaptor related protein complex 3 subunit beta 1; minus strand). Cytogenetic location: 5q14.1.
Variant type: single nucleotide variant.
Coding change: c.2173G>A on transcript NM_003664.5 (MANE Select); coding-DNA position 2173, G replaced by A.
Protein change: p.Asp725Asn; replaces aspartic acid 725 with asparagine.
Molecular consequence: missense variant.
Genome position (GRCh38, 1-based): chr5:78,113,828, C>T on the plus strand (G>A on the coding strand, the complement: AP3B1 is on the minus strand). VCF-style: chr5-78113828-C-T. GRCh37 (hg19) VCF-style: chr5-77409652-C-T.
Other names: c.2026G>A, p.Asp676Asn (NM_001271769.2); c.2173G>A, p.Asp725Asn (NM_001410752.1); short protein forms D676N, D725N.
Identifiers: ClinVar variation 4725288 (VCV004725288.1).
Genomic context (GRCh38, chr5:78,113,828, plus strand): 5'-TTGAGTTCCTCTTGGCTGTTCTTTTGTTTTCTAGGCCTGACTCCCGTCCACTCTCACTGT[C>T]CTGCTCACTGGAGGAGTCCTCACTGCTGTCCTCATTGCTGTCTCCTTCCTCCCCACTTTC-3'
Protein context (NP_003655.3, residues 715-735): DSSEDSSSEQ[Asp725Asn]SESGRESGLE

ClinVar aggregate classification (germline): Uncertain significance (1 of 4 stars; one submission).

Conditions:
Hermansky-Pudlak syndrome 2 (HPS2). Also called: Platelet defects and oculocutaneous albinism. Identifiers: Orphanet 183678, Orphanet 79430, MedGen C1842362, MONDO:0011997, OMIM 608233.

Submission:

Labcorp Genetics (formerly Invitae), Labcorp
Classification: Uncertain significance for Hermansky-Pudlak syndrome 2. Last evaluated: 2025-08-11. Review status: criteria provided, single submitter. Criteria: Invitae Variant Classification Sherloc (09022015). Collection method: clinical testing. Allele origin: germline.
Comment: This sequence change replaces aspartic acid, which is acidic and polar, with asparagine, which is neutral and polar, at codon 725 of the AP3B1 protein (p.Asp725Asn). This variant is not present in population databases (gnomAD no frequency). This variant has not been reported in the literature in individuals affected with AP3B1-related conditions. An algorithm developed to predict the effect of missense changes on protein structure and function (PolyPhen-2) suggests that this variant is likely to be tolerated. In summary, the available evidence is currently insufficient to determine the role of this variant in disease. Therefore, it has been classified as a Variant of Uncertain Significance.